The following is an entry in ClinVar:

NM_001009944.3(PKD1):c.8464G>A (p.Val2822Met)

Gene: PKD1 (polycystin 1, transient receptor potential channel interacting; minus strand). Cytogenetic location: 16p13.3.
Variant type: single nucleotide variant.
Coding change: c.8464G>A on transcript NM_001009944.3 (MANE Select); coding-DNA position 8464, G replaced by A.
Protein change: p.Val2822Met; replaces valine 2822 with methionine.
Molecular consequence: missense variant.
Genome position (GRCh38, 1-based): chr16:2,103,593, C>T on the plus strand (G>A on the coding strand, the complement: PKD1 is on the minus strand). VCF-style: chr16-2103593-C-T. GRCh37 (hg19) VCF-style: chr16-2153594-C-T.
Other names: p.Val2822Met; c.8464G>A, p.Val2822Met (NM_000296.4); short protein forms V2822M.
Identifiers: ClinVar variation 810988 (VCV000810988.39), dbSNP rs201289693, ClinGen allele CA7830512.

ClinVar aggregate classification (germline): Conflicting classifications of pathogenicity. Review status: criteria provided, conflicting classifications (1 of 4 stars). 7 submissions from 7 submitters: Uncertain significance (3); Likely benign (4). Last evaluated 2025-10-27.

Conditions:
PKD1-related disorder. Also called: PKD1-related condition.
Polycystic kidney disease, adult type (PKD1). Also called: Polycystic Kidney Disease 1, Autosomal Dominant; Polycystic kidney disease 1; Polycystic kidney disease 1, severe; POLYCYSTIC KIDNEY DISEASE, ADULT, TYPE I; Polycystic Kidney, Autosomal Dominant; POLYCYSTIC KIDNEY DISEASE 1 WITH OR WITHOUT POLYCYSTIC LIVER DISEASE. Identifiers: MedGen C3149841, MONDO:0008263, OMIM 173900.

Allele frequency attached by ClinVar (database versions not stated): gnomAD 0.00010 and 0.00029; TOPMed 0.00022; ESP Exome Variant Server 0.00023; gnomAD exomes 0.00032 and 0.00066; ExAC 0.00055; 1000 Genomes Project 0.00060; 1000 Genomes Project 30x 0.00062.
gnomAD v4.1: 546 of 1,610,410 alleles (0.034%); highest among the groups gnomAD compares: Admixed American, 0.092%; 1 homozygote.

Submissions (7):

Women's Health and Genetics/Laboratory Corporation of America, LabCorp
Classification: Uncertain significance. Last evaluated: 2025-10-27. Review status: criteria provided, single submitter. Criteria: LabCorp Variant Classification Summary - May 2015. Collection method: clinical testing. Allele origin: germline.
Comment: Variant summary: PKD1 c.8464G>A (p.Val2822Met) results in a conservative amino acid change in the encoded protein sequence. Algorithms developed to predict the effect of missense changes on protein structure and function all suggest that this variant is likely to be tolerated. The variant allele was found at a frequency of 0.00066 in 248508 control chromosomes in the gnomAD database, including 1 homozygotes. This frequency is not significantly higher than estimated for disease-causing variants in PKD1, allowing no conclusion about variant significance. c.8464G>A has been observed in individuals affected with Polycystic Kidney Disease 1 without strong evidence of causality (e.g., Vouk_2006, Rossetti_2012, Hwang_2016, Tutal_2024). These reports do not provide unequivocal conclusions about association of the variant with Polycystic Kidney Disease 1. To our knowledge, no experimental evidence demonstrating an impact on protein function has been reported. ClinVar contains an entry for this variant (Variation ID: 810988). Based on the evidence outlined above, the variant was classified as uncertain significance.

CeGaT Center for Human Genetics Tuebingen
Classification: Likely benign. Last evaluated: 2025-10-01. Review status: criteria provided, single submitter. Criteria: CeGaT Center For Human Genetics Tuebingen Variant Classification Criteria Version 2. Collection method: clinical testing. Allele origin: germline. Affected: yes. Observed: 4 variant alleles.
Comment: PKD1: BS2

Mayo Clinic Laboratories, Mayo Clinic
Classification: Likely benign. Last evaluated: 2025-09-25. Review status: criteria provided, single submitter. Criteria: ACMG Guidelines, 2015. Collection method: clinical testing. Allele origin: germline. Observed: 2 variant alleles.
Comment: BS1, BP4

PreventionGenetics, part of Exact Sciences
Classification: Likely benign for PKD1-related condition. Last evaluated: 2025-04-23. Review status: criteria provided, single submitter. Criteria: ACMG Guidelines, 2015. Collection method: clinical testing. Allele origin: germline.
Comment: This variant is classified as likely benign based on ACMG/AMP sequence variant interpretation guidelines (Richards et al. 2015 PMID: 25741868, with internal and published modifications).

Genomic Medicine Center of Excellence, King Faisal Specialist Hospital and Research Centre
Classification: Uncertain significance for Polycystic kidney disease, adult type. Last evaluated: 2024-12-19. Review status: criteria provided, single submitter. Criteria: ACMG Guidelines, 2015. Collection method: clinical testing. Allele origin: germline.

GeneDx
Classification: Likely benign. Last evaluated: 2021-01-20. Review status: criteria provided, single submitter. Criteria: GeneDx Variant Classification Process June 2021. Collection method: clinical testing. Allele origin: germline. Affected: yes.
Comment: This variant is associated with the following publications: (PMID: 16430766, 26453610)

ARUP Laboratories, Molecular Genetics and Genomics, ARUP Laboratories
Classification: Uncertain significance for Polycystic kidney disease, adult type. Last evaluated: 2019-05-28. Review status: criteria provided, single submitter. Criteria: ARUP Molecular Germline Variant Investigation Process. Collection method: clinical testing. Allele origin: germline.
Comment: The PKD1 c.8464G>A; p.Val2822Met variant (rs201289693) is reported in the literature in individuals affected with autosomal dominant polycystic kidney disease (Hwang 2016, Vouk 2006), but has also been reported in a family with another variant in both PKD1 and PKD2, so it is unclear if this variant is causative for disease in this family (Rossetti 2012). This variant is found in the Ashkenazi Jewish population with an allele frequency of 0.92% (94/10244 alleles, including a single homozygote) in the Genome Aggregation Database. The valine at codon 2822is highly conserved, and computational analyses (SIFT, PolyPhen-2) predict that this variant is deleterious. Due to limited information, the clinical significance of the p.Val2822Met variant is uncertain at this time. References: Hwang YH et al. Refining Genotype-Phenotype Correlation in Autosomal Dominant Polycystic Kidney Disease. J Am Soc Nephrol. 2016 Jun;27(6):1861-8. Rossetti S et al. Identification of gene mutations in autosomal dominant polycystic kidney disease through targeted resequencing. J Am Soc Nephrol. 2012 May;23(5):915-33. Vouk K et al. PKD1 and PKD2 mutations in Slovenian families with autosomal dominant polycystic kidney disease. BMC Med Genet. 2006 Jan 23;7:6.

Literature cited by the submitters: PubMed 26453610 (cited by Women's Health and Genetics/Laboratory Corporation of America, LabCorp and Mayo Clinic Laboratories, Mayo Clinic); PubMed 22383692 (cited by Women's Health and Genetics/Laboratory Corporation of America, LabCorp); PubMed 36657418 (cited by Women's Health and Genetics/Laboratory Corporation of America, LabCorp); PubMed 16430766 (cited by Women's Health and Genetics/Laboratory Corporation of America, LabCorp); PubMed 30476936 (cited by Mayo Clinic Laboratories, Mayo Clinic); PubMed 34426522 (cited by Mayo Clinic Laboratories, Mayo Clinic).